The following is an entry in ClinVar:

NM_001127222.2(CACNA1A):c.821C>T (p.Thr274Ile)

Gene: CACNA1A (calcium voltage-gated channel subunit alpha1 A; minus strand). Cytogenetic location: 19p13.13.
Variant type: single nucleotide variant.
Coding change: c.821C>T on transcript NM_001127222.2 (MANE Select); coding-DNA position 821, C replaced by T.
Protein change: p.Thr274Ile; replaces threonine 274 with isoleucine.
Molecular consequence: missense variant.
Genome position (GRCh38, 1-based): chr19:13,359,763, G>A on the plus strand (C>T on the coding strand, the complement: CACNA1A is on the minus strand). VCF-style: chr19-13359763-G-A. GRCh37 (hg19) VCF-style: chr19-13470577-G-A.
Other names: c.821C>T, p.Thr274Ile (NM_000068.4, NM_001127221.2, NM_001174080.2 and 1 more transcripts); short protein forms T274I.
Identifiers: ClinVar variation 1386572 (VCV001386572.6), dbSNP rs1250942113, ClinGen allele CA404347352.

ClinVar aggregate classification (germline): Uncertain significance (1 of 4 stars; one submission).

Conditions:
Developmental and epileptic encephalopathy, 42 (DEE42A). Also called: Epileptic encephalopathy, early infantile, 42; DEVELOPMENTAL AND EPILEPTIC ENCEPHALOPATHY 42A; EPILEPTIC ENCEPHALOPATHY, EARLY INFANTILE, 42A. Identifiers: MedGen C4310716, MONDO:0014917, OMIM 617106.
Episodic ataxia type 2 (EA2). Also called: EPISODIC ATAXIA, NYSTAGMUS-ASSOCIATED; ACETAZOLAMIDE-RESPONSIVE HEREDITARY PAROXYSMAL CEREBELLAR ATAXIA; ATAXIA, EPISODIC, WITH NYSTAGMUS; ATAXIA, FAMILIAL PAROXYSMAL; CEREBELLAR ATAXIA, PAROXYSMAL, ACETAZOLAMIDE-RESPONSIVE; CEREBELLOPATHY, HEREDITARY PAROXYSMAL. Identifiers: Orphanet 97, MedGen C1720416, MONDO:0007163, OMIM 108500.

Allele frequency attached by ClinVar (database versions not stated): gnomAD exomes below 0.00001; gnomAD 0.00001.
gnomAD v4.1: 4 of 1,550,632 alleles (0.00026%); highest among the groups gnomAD compares: Non-Finnish European, 0.00017%; no homozygotes.

Submission:

Labcorp Genetics (formerly Invitae), Labcorp
Classification: Uncertain significance for Developmental and epileptic encephalopathy, 42; Episodic ataxia type 2. Last evaluated: 2021-10-13. Review status: criteria provided, single submitter. Criteria: Invitae Variant Classification Sherloc (09022015). Collection method: clinical testing. Allele origin: germline.
Comment: This variant is not present in population databases (ExAC no frequency). This variant has not been reported in the literature in individuals affected with CACNA1A-related conditions. Advanced modeling of protein sequence and biophysical properties (such as structural, functional, and spatial information, amino acid conservation, physicochemical variation, residue mobility, and thermodynamic stability) performed at Invitae indicates that this missense variant is not expected to disrupt CACNA1A protein function. In summary, the available evidence is currently insufficient to determine the role of this variant in disease. Therefore, it has been classified as a Variant of Uncertain Significance. This sequence change replaces threonine with isoleucine at codon 274 of the CACNA1A protein (p.Thr274Ile). The threonine residue is moderately conserved and there is a moderate physicochemical difference between threonine and isoleucine.